The following is an entry in ClinVar:

NM_000132.4(F8):c.6362T>C (p.Ile2121Thr)

Gene: F8 (coagulation factor VIII; minus strand). Cytogenetic location: Xq28.
Variant type: single nucleotide variant.
Coding change: c.6362T>C on transcript NM_000132.4 (MANE Select); coding-DNA position 6362, T replaced by C.
Protein change: p.Ile2121Thr; replaces isoleucine 2121 with threonine.
Molecular consequence: missense variant.
Genome position (GRCh38, 1-based): chrX:154,896,144, A>G on the plus strand (T>C on the coding strand, the complement: F8 is on the minus strand). VCF-style: chrX-154896144-A-G. GRCh37 (hg19) VCF-style: chrX-154124419-A-G.
Other names: short protein forms I2121T.
Identifiers: ClinVar variation 4535623 (VCV004535623.1).
Genomic context (GRCh38, chrX:154,896,144, plus strand): 5'-GTTCCAGTGGAATTTCCTCGATAAGTCTGCCACTTCTTCCCATCAAGACTATACATGATG[A>G]TAAACTGAGAGATGTAGAGGCTGGAGAACTTCTGACGGGCACCCTGGGTCTTGATGCCGT-3'
Protein context (NP_000123.1, residues 2111-2131): KFSSLYISQF[Ile2121Thr]IMYSLDGKKW

ClinVar aggregate classification (germline): Uncertain significance (1 of 4 stars; one submission).

gnomAD v4.1: 1 of 1,209,701 alleles (0.000083%); highest among the groups gnomAD compares: Non-Finnish European, 0.00011%; no homozygotes.

Submission:

Women's Health and Genetics/Laboratory Corporation of America, LabCorp
Classification: Uncertain significance. Last evaluated: 2025-09-10. Review status: criteria provided, single submitter. Criteria: LabCorp Variant Classification Summary - May 2015. Collection method: clinical testing. Allele origin: germline.
Comment: Variant summary: F8 c.6362T>C (p.Ile2121Thr) results in a non-conservative amino acid change in the encoded protein sequence. Algorithms developed to predict the effect of missense changes on protein structure and function all suggest that this variant is likely to be disruptive. The variant was absent in 183327 control chromosomes. The available data on variant occurrences in the general population are insufficient to allow any conclusion about variant significance. c.6362T>C has been observed in at least one individual affected with personal or family history of Hemophilia A or Hemophilia B (e.g. Johnsen_2022). These report(s) do not provide unequivocal conclusions about association of the variant with Factor VIII Deficiency (Hemophilia A). To our knowledge, no experimental evidence demonstrating an impact on protein function has been reported. The following publication has been ascertained in the context of this evaluation (PMID: 35770352). No submitters have cited clinical-significance assessments for this variant to ClinVar. Based on the evidence outlined above, the variant was classified as uncertain significance.

Literature cited by the submitters: PubMed 35770352.